The following is an entry in ClinVar:

ClinVar aggregate classification (germline): Benign (1 of 4 stars; one submission).

Allele frequency attached by ClinVar (database versions not stated): ESP Exome Variant Server 0.00059; gnomAD exomes 0.00075; gnomAD 0.00077; TOPMed 0.00082; ExAC 0.00106.
gnomAD v4.1: 1,304 of 1,613,774 alleles (0.081%); highest among the groups gnomAD compares: Non-Finnish European, 0.025%; 15 homozygotes.

Submission:

CeGaT Center for Human Genetics Tuebingen
Classification: Benign. Last evaluated: 2023-08-01. Review status: criteria provided, single submitter. Criteria: CeGaT Center For Human Genetics Tuebingen Variant Classification Criteria Version 2. Collection method: clinical testing. Allele origin: germline. Affected: yes. Observed: 1 variant allele.
Comment: MARF1: BP4, BS1, BS2

NM_014647.4(MARF1):c.4122C>G (p.Leu1374=)

Gene: MARF1 (meiosis regulator and mRNA stability factor 1; minus strand). Cytogenetic location: 16p13.11.
Variant type: single nucleotide variant.
Coding change: c.4122C>G on transcript NM_014647.4 (MANE Select); coding-DNA position 4122, C replaced by G.
Protein change: p.Leu1374=; no amino-acid change (leucine 1374 retained).
Molecular consequence: synonymous variant.
Genome position (GRCh38, 1-based): chr16:15,608,351, G>C on the plus strand (C>G on the coding strand, the complement: MARF1 is on the minus strand). VCF-style: chr16-15608351-G-C. GRCh37 (hg19) VCF-style: chr16-15702208-G-C.
Other names: c.4122C>G, p.Leu1374= (NM_001184998.2); c.4113C>G, p.Leu1371= (NM_001184999.2).
Identifiers: ClinVar variation 2646250 (VCV002646250.24), dbSNP rs199568691, ClinGen allele CA7919338.